The following is an entry in ClinVar:

NM_004850.5(ROCK2):c.1689+9A>C

Gene: ROCK2 (Rho associated coiled-coil containing protein kinase 2; minus strand). Cytogenetic location: 2p25.1.
Variant type: single nucleotide variant.
Coding change: c.1689+9A>C on transcript NM_004850.5 (MANE Select); 9 bases into the intron after coding-DNA position 1689, A replaced by C.
Molecular consequence: intron variant.
Genome position (GRCh38, 1-based): chr2:11,215,312, T>G on the plus strand (A>C on the coding strand, the complement: ROCK2 is on the minus strand). VCF-style: chr2-11215312-T-G. GRCh37 (hg19) VCF-style: chr2-11355438-T-G.
Other names: c.1431+9A>C (NM_001321643.2).
Identifiers: ClinVar variation 3046297 (VCV003046297.2), dbSNP rs916700847, ClinGen allele CA42524053.

ClinVar aggregate classification (germline): Likely benign (0 of 4 stars; one submission).

Conditions:
ROCK2-related disorder. Also called: ROCK2-related condition.

Allele frequency attached by ClinVar (database versions not stated): gnomAD 0.00001; gnomAD exomes 0.00001; TOPMed 0.00002.
gnomAD v4.1: 7 of 1,572,182 alleles (0.00045%); highest among the groups gnomAD compares: Non-Finnish European, 0.0006%; no homozygotes.

Submission:

PreventionGenetics, part of Exact Sciences
Classification: Likely benign for ROCK2-related condition. Last evaluated: 2019-10-22. Review status: no assertion criteria provided. Collection method: clinical testing. Allele origin: germline.
Comment: This variant is classified as likely benign based on ACMG/AMP sequence variant interpretation guidelines (Richards et al. 2015 PMID: 25741868, with internal and published modifications).